The following is an entry in ClinVar:

NM_001364905.1(LRBA):c.7630+5G>A

Gene: LRBA (LPS responsive beige-like anchor protein; minus strand). Cytogenetic location: 4q31.3.
Variant type: single nucleotide variant.
Coding change: c.7630+5G>A on transcript NM_001364905.1 (MANE Select); 5 bases into the intron after coding-DNA position 7630, G replaced by A.
Molecular consequence: intron variant.
Genome position (GRCh38, 1-based): chr4:150,321,186, C>T on the plus strand (G>A on the coding strand, the complement: LRBA is on the minus strand). VCF-style: chr4-150321186-C-T. GRCh37 (hg19) VCF-style: chr4-151242338-C-T.
Other names: c.7645+5G>A (NM_001367550.1, NM_001440431.1); c.7663+5G>A (NM_006726.5); c.7630+5G>A (NM_001199282.3); c.7678+5G>A (NM_001440430.1); c.1348+5G>A (NM_001440432.1); c.1342+5G>A (NM_001440433.1).
Identifiers: ClinVar variation 970580 (VCV000970580.7), dbSNP rs1732463939, ClinGen allele CA1139658674.

ClinVar aggregate classification (germline): Uncertain significance (1 of 4 stars; one submission).

Conditions:
Combined immunodeficiency due to LRBA deficiency. Also called: Common variable immunodeficiency 8, with autoimmunity. Identifiers: Orphanet 445018, MedGen C3553512, MONDO:0013863, OMIM 614700.

Allele frequency attached by ClinVar (database versions not stated): gnomAD exomes below 0.00001.
gnomAD v4.1: 1 of 1,605,554 alleles (0.000062%); highest among the groups gnomAD compares: Non-Finnish European, 0.000085%; no homozygotes.

Submission:

Labcorp Genetics (formerly Invitae), Labcorp
Classification: Uncertain significance for Combined immunodeficiency due to LRBA deficiency. Last evaluated: 2020-02-24. Review status: criteria provided, single submitter. Criteria: Invitae Variant Classification Sherloc (09022015). Collection method: clinical testing. Allele origin: germline.
Comment: This variant has not been reported in the literature in individuals with LRBA-related conditions. In summary, the available evidence is currently insufficient to determine the role of this variant in disease. Therefore, it has been classified as a Variant of Uncertain Significance. Nucleotide substitutions within the consensus splice site are a relatively common cause of aberrant splicing (PMID: 17576681, 9536098). Algorithms developed to predict the effect of sequence changes on RNA splicing suggest that this variant may disrupt the consensus splice site, but this prediction has not been confirmed by published transcriptional studies. This variant is not present in population databases (ExAC no frequency). This sequence change falls in intron 51 of the LRBA gene. It does not directly change the encoded amino acid sequence of the LRBA protein, but it affects a nucleotide within the consensus splice site of the intron.

Literature cited by the submitters: PubMed 17576681; PubMed 9536098.